The following is an entry in ClinVar:

ClinVar aggregate classification (germline): Likely benign (0 of 4 stars; one submission).

Conditions:
PLXNA1-related disorder. Also called: PLXNA1-related condition.

gnomAD v4.1: 12 of 1,610,360 alleles (0.00075%); highest among the groups gnomAD compares: Non-Finnish European, 0.00059%; no homozygotes.

Submission:

PreventionGenetics, part of Exact Sciences
Classification: Likely benign for PLXNA1-related condition. Last evaluated: 2023-04-19. Review status: no assertion criteria provided. Collection method: clinical testing. Allele origin: germline.
Comment: This variant is classified as likely benign based on ACMG/AMP sequence variant interpretation guidelines (Richards et al. 2015 PMID: 25741868, with internal and published modifications).

NM_032242.4(PLXNA1):c.2880A>G (p.Thr960=)

Genes: PLXNA1 (plexin A1; plus strand), LOC129937476 (ATAC-STARR-seq lymphoblastoid active region 20450; plus strand). Cytogenetic location: 3q21.3.
Variant type: single nucleotide variant.
Coding change: c.2880A>G on transcript NM_032242.4 (MANE Select); coding-DNA position 2880, A replaced by G.
Protein change: p.Thr960=; no amino-acid change (threonine 960 retained).
Molecular consequence: synonymous variant.
Genome position (GRCh38, 1-based): chr3:127,015,186, A>G. VCF-style: chr3-127015186-A-G. GRCh37 (hg19) VCF-style: chr3-126734029-A-G.
Identifiers: ClinVar variation 3354415 (VCV003354415.1).